The following is an entry in ClinVar:

NM_001127222.2(CACNA1A):c.6322C>T (p.Arg2108Cys)

Gene: CACNA1A (calcium voltage-gated channel subunit alpha1 A; minus strand). Cytogenetic location: 19p13.13.
Variant type: single nucleotide variant.
Coding change: c.6322C>T on transcript NM_001127222.2 (MANE Select); coding-DNA position 6322, C replaced by T.
Protein change: p.Arg2108Cys; replaces arginine 2108 with cysteine.
Molecular consequence: missense variant.
Genome position (GRCh38, 1-based): chr19:13,210,634, G>A on the plus strand (C>T on the coding strand, the complement: CACNA1A is on the minus strand). VCF-style: chr19-13210634-G-A. GRCh37 (hg19) VCF-style: chr19-13321448-G-A.
Other names: c.6340C>T, p.Arg2114Cys (NM_000068.4, NM_023035.3); c.6325C>T, p.Arg2109Cys (NM_001127221.2); c.6331C>T, p.Arg2111Cys (NM_001174080.2); short protein forms R2108C, R2109C, R2111C, R2114C.
Identifiers: ClinVar variation 2577341 (VCV002577341.5), dbSNP rs758498629, ClinGen allele CA9239386.

ClinVar aggregate classification (germline): Uncertain significance. Review status: criteria provided, multiple submitters, no conflicts (2 of 4 stars). 3 submissions from 3 submitters: Uncertain significance (3). Last evaluated 2023-09-20.

Conditions:
Episodic ataxia type 2 (EA2). Also called: ATAXIA, EPISODIC, WITH NYSTAGMUS; ATAXIA, FAMILIAL PAROXYSMAL; CEREBELLAR ATAXIA, PAROXYSMAL, ACETAZOLAMIDE-RESPONSIVE; CEREBELLOPATHY, HEREDITARY PAROXYSMAL; EPISODIC ATAXIA, NYSTAGMUS-ASSOCIATED; ACETAZOLAMIDE-RESPONSIVE HEREDITARY PAROXYSMAL CEREBELLAR ATAXIA. Identifiers: Orphanet 97, MedGen C1720416, MONDO:0007163, OMIM 108500.
Developmental and epileptic encephalopathy, 42 (DEE42A). Also called: DEVELOPMENTAL AND EPILEPTIC ENCEPHALOPATHY 42A; EPILEPTIC ENCEPHALOPATHY, EARLY INFANTILE, 42A; Epileptic encephalopathy, early infantile, 42. Identifiers: MedGen C4310716, MONDO:0014917, OMIM 617106.
Inborn genetic diseases. Identifiers: MedGen C0950123, MeSH D030342.

Allele frequency attached by ClinVar (database versions not stated): gnomAD exomes 0.00001; ExAC 0.00009.
gnomAD v4.1: 10 of 1,565,292 alleles (0.00064%); highest among the groups gnomAD compares: South Asian, 0.0024%; no homozygotes.

Submissions (3):

Ambry Genetics
Classification: Uncertain significance for Inborn genetic diseases. Last evaluated: 2023-09-20. Review status: criteria provided, single submitter. Criteria: Ambry Variant Classification Scheme 2023. Collection method: clinical testing. Allele origin: germline.

Labcorp Genetics (formerly Invitae), Labcorp
Classification: Uncertain significance for Developmental and epileptic encephalopathy, 42; Episodic ataxia type 2. Last evaluated: 2023-08-14. Review status: criteria provided, single submitter. Criteria: Invitae Variant Classification Sherloc (09022015). Collection method: clinical testing. Allele origin: germline.
Comment: This sequence change replaces arginine, which is basic and polar, with cysteine, which is neutral and slightly polar, at codon 2109 of the CACNA1A protein (p.Arg2109Cys). The frequency data for this variant in the population databases is considered unreliable, as metrics indicate poor data quality at this position in the gnomAD database. This variant has not been reported in the literature in individuals affected with CACNA1A-related conditions. Advanced modeling of protein sequence and biophysical properties (such as structural, functional, and spatial information, amino acid conservation, physicochemical variation, residue mobility, and thermodynamic stability) performed at Invitae indicates that this missense variant is not expected to disrupt CACNA1A protein function. In summary, the available evidence is currently insufficient to determine the role of this variant in disease. Therefore, it has been classified as a Variant of Uncertain Significance.

Women's Health and Genetics/Laboratory Corporation of America, LabCorp
Classification: Uncertain significance. Last evaluated: 2023-07-18. Review status: criteria provided, single submitter. Criteria: LabCorp Variant Classification Summary - May 2015. Collection method: clinical testing. Allele origin: germline.
Comment: Variant summary: CACNA1A c.6325C>T (p.Arg2109Cys) results in a conserved amino acid change in the encoded protein sequence. Four of five in-silico tools predict a damaging effect of the variant on protein function. The variant allele was found at a frequency of 1.1e-05 in 177924 control chromosomes. The available data on variant occurrences in the general population are insufficient to allow any conclusion about variant significance. To our knowledge, no occurrence of c.6325C>T in individuals affected with Epileptic Encephalopathy, Early Infantile, 42 or other CACNA1A-related disorders and no experimental evidence demonstrating its impact on protein function have been reported. No submitters have cited clinical-significance assessments for this variant to ClinVar after 2014. Based on the evidence outlined above, the variant was classified as uncertain significance.